The following is an entry in ClinVar:

NM_001384317.1(ZHX3):c.211A>C (p.Thr71Pro)

Gene: ZHX3 (zinc fingers and homeoboxes 3; minus strand). Cytogenetic location: 20q12.
Variant type: single nucleotide variant.
Coding change: c.211A>C on transcript NM_001384317.1 (MANE Select); coding-DNA position 211, A replaced by C.
Protein change: p.Thr71Pro; replaces threonine 71 with proline.
Molecular consequence: missense variant.
Genome position (GRCh38, 1-based): chr20:41,204,706, T>G on the plus strand (A>C on the coding strand, the complement: ZHX3 is on the minus strand). VCF-style: chr20-41204706-T-G. GRCh37 (hg19) VCF-style: chr20-39833346-T-G.
Other names: c.211A>C, p.Thr71Pro (NM_001384315.1, NM_001384316.1, NM_001384318.1 and 8 more transcripts); short protein forms T71P.
Identifiers: ClinVar variation 3717955 (VCV003717955.2).
Genomic context (GRCh38, chr20:41,204,706, plus strand): 5'-GGGTCATGTCATGGGATCTGAAATCGCAGTATTTACAGGAATATAAATAGCCATCTAAAG[T>G]GCTCCGATGCCCATTGGCCAGTGTAGAGCCATCAGTACTGCTGGGGTTCTGTGCTGCCTC-3'
Protein context (NP_001371246.1, residues 61-81): GSTLANGHRS[Thr71Pro]LDGYLYSCKY

ClinVar aggregate classification (germline): Uncertain significance (1 of 4 stars; one submission).

gnomAD v4.1: 3 of 1,614,268 alleles (0.00019%); highest among the groups gnomAD compares: East Asian, 0.0067%; no homozygotes.

Submission:

Labcorp Genetics (formerly Invitae), Labcorp
Classification: Uncertain significance. Last evaluated: 2024-08-13. Review status: criteria provided, single submitter. Criteria: Invitae Variant Classification Sherloc (09022015). Collection method: clinical testing. Allele origin: germline.
Comment: This sequence change replaces threonine, which is neutral and polar, with proline, which is neutral and non-polar, at codon 71 of the ZHX3 protein (p.Thr71Pro). This variant is present in population databases (rs772018793, gnomAD 0.02%). This variant has not been reported in the literature in individuals affected with ZHX3-related conditions. An algorithm developed to predict the effect of missense changes on protein structure and function (PolyPhen-2) suggests that this variant is likely to be tolerated. In summary, the available evidence is currently insufficient to determine the role of this variant in disease. Therefore, it has been classified as a Variant of Uncertain Significance.